The following is an entry in ClinVar:

NM_025137.4(SPG11):c.6305A>T (p.Asp2102Val)

Gene: SPG11 (SPG11 vesicle trafficking associated, spatacsin; minus strand). Cytogenetic location: 15q21.1.
Variant type: single nucleotide variant.
Coding change: c.6305A>T on transcript NM_025137.4 (MANE Select); coding-DNA position 6305, A replaced by T.
Protein change: p.Asp2102Val; replaces aspartic acid 2102 with valine.
Molecular consequence: missense variant.
Genome position (GRCh38, 1-based): chr15:44,572,721, T>A on the plus strand (A>T on the coding strand, the complement: SPG11 is on the minus strand). VCF-style: chr15-44572721-T-A. GRCh37 (hg19) VCF-style: chr15-44864919-T-A.
Other names: c.5966A>T, p.Asp1989Val (NM_001160227.2); short protein forms D1989V, D2102V.
Identifiers: ClinVar variation 1481874 (VCV001481874.3), dbSNP rs531345715, ClinGen allele CA392217180.

ClinVar aggregate classification (germline): Uncertain significance (1 of 4 stars; one submission).

Conditions:
Hereditary spastic paraplegia 11. Also called: Autosomal recessive hereditary spastic paraplegia, mental impairment, and thin corpus callosum; SPASTIC PARAPLEGIA, AUTOSOMAL RECESSIVE, COMPLICATED, WITH THIN CORPUS CALLOSUM; SPASTIC PARAPLEGIA, AUTOSOMAL RECESSIVE, WITH MENTAL IMPAIRMENT AND THIN CORPUS CALLOSUM; Spastic paraplegia, mental retardation and thin corpus callosum; Spastic Paraplegia 11; Nakamura Osame syndrome. Identifiers: Orphanet 2822, MedGen C1858479, MONDO:0011445, OMIM 604360.

Submission:

Labcorp Genetics (formerly Invitae), Labcorp
Classification: Uncertain significance for Hereditary spastic paraplegia 11. Last evaluated: 2021-08-23. Review status: criteria provided, single submitter. Criteria: Invitae Variant Classification Sherloc (09022015). Collection method: clinical testing. Allele origin: germline.
Comment: This sequence change replaces aspartic acid with valine at codon 2102 of the SPG11 protein (p.Asp2102Val). The aspartic acid residue is moderately conserved and there is a large physicochemical difference between aspartic acid and valine. This variant is not present in population databases (ExAC no frequency). This variant has not been reported in the literature in individuals affected with SPG11-related conditions. Algorithms developed to predict the effect of missense changes on protein structure and function (SIFT, PolyPhen-2, Align-GVGD) all suggest that this variant is likely to be disruptive. In summary, the available evidence is currently insufficient to determine the role of this variant in disease. Therefore, it has been classified as a Variant of Uncertain Significance.